The following is an entry in ClinVar:

NM_012062.5(DNM1L):c.1364T>C (p.Leu455Ser)

Gene: DNM1L (dynamin 1 like; plus strand). Cytogenetic location: 12p11.21.
Variant type: single nucleotide variant.
Coding change: c.1364T>C on transcript NM_012062.5 (MANE Select); coding-DNA position 1364, T replaced by C.
Protein change: p.Leu455Ser; replaces leucine 455 with serine.
Molecular consequence: missense variant.
Genome position (GRCh38, 1-based): chr12:32,731,861, T>C. VCF-style: chr12-32731861-T-C. GRCh37 (hg19) VCF-style: chr12-32884795-T-C.
Other names: c.1364T>C, p.Leu455Ser (NM_001278463.2, NM_005690.5, NM_012063.4); c.1403T>C, p.Leu468Ser (NM_001278464.2, NM_001278465.2, NM_001330380.2); c.755T>C, p.Leu252Ser (NM_001278466.2); short protein forms L252S, L455S, L468S.
Identifiers: ClinVar variation 1312156 (VCV001312156.2), dbSNP rs2137527527, ClinGen allele CA384359268.

ClinVar aggregate classification (germline): Uncertain significance (1 of 4 stars; one submission).

Submission:

GeneDx
Classification: Uncertain significance. Last evaluated: 2019-09-06. Review status: criteria provided, single submitter. Criteria: GeneDx Variant Classification Process June 2021. Collection method: clinical testing. Allele origin: germline. Affected: yes.
Comment: Not observed in large population cohorts (Lek et al., 2016); In silico analysis, which includes protein predictors and evolutionary conservation, supports a deleterious effect; Has not been previously published as pathogenic or benign to our knowledge